The following is an entry in ClinVar:

NM_004281.4(BAG3):c.1491del (p.Ala498fs)

Gene: BAG3 (BAG cochaperone 3; plus strand). Cytogenetic location: 10q26.11.
Variant type: Deletion.
Coding change: c.1491del on transcript NM_004281.4 (MANE Select); coding-DNA position 1491, one base deleted (A; older notation c.1491delA).
Protein change: p.Ala498fs; shifts the reading frame from alanine 498.
Molecular consequence: frameshift variant.
Genome position (GRCh38, 1-based): chr10:119,677,045, A deleted; the last of 3 consecutive A bases (chr10:119,677,043-119,677,045); deleting any one gives the same sequence. VCF-style (leftmost placement, unchanged base first): chr10-119677042-GA-G. GRCh37 (hg19) VCF-style: chr10-121436554-GA-G.
Other names: short protein forms A498fs.
Identifiers: ClinVar variation 2933898 (VCV002933898.3), dbSNP rs2494024262, ClinGen allele CA2740093567.

ClinVar aggregate classification (germline): Uncertain significance (1 of 4 stars; one submission).

Conditions:
Myofibrillar myopathy 6. Identifiers: Orphanet 199340, MedGen C2751831, MONDO:0013061, OMIM 612954.
Dilated cardiomyopathy 1HH (CMD1HH). Identifiers: Orphanet 154, MedGen C3151293, MONDO:0013479, OMIM 613881.

Submission:

Labcorp Genetics (formerly Invitae), Labcorp
Classification: Uncertain significance for Dilated cardiomyopathy 1HH; Myofibrillar myopathy 6. Last evaluated: 2025-04-11. Review status: criteria provided, single submitter. Criteria: Invitae Variant Classification Sherloc (09022015). Collection method: clinical testing. Allele origin: germline.
Comment: This sequence change creates a premature translational stop signal (p.Ala498Profs*68) in the BAG3 gene. While this is not anticipated to result in nonsense mediated decay, it is expected to disrupt the last 78 amino acid(s) of the BAG3 protein. This variant is not present in population databases (gnomAD no frequency). This variant has not been reported in the literature in individuals affected with BAG3-related conditions. ClinVar contains an entry for this variant (Variation ID: 2933898). In summary, the available evidence is currently insufficient to determine the role of this variant in disease. Therefore, it has been classified as a Variant of Uncertain Significance.